The following is an entry in ClinVar:

NM_001430.5(EPAS1):c.907G>A (p.Val303Ile)

Gene: EPAS1 (endothelial PAS domain protein 1; plus strand). Cytogenetic location: 2p21.
Variant type: single nucleotide variant.
Coding change: c.907G>A on transcript NM_001430.5 (MANE Select); coding-DNA position 907, G replaced by A.
Protein change: p.Val303Ile; replaces valine 303 with isoleucine.
Molecular consequence: missense variant.
Genome position (GRCh38, 1-based): chr2:46,375,710, G>A. VCF-style: chr2-46375710-G-A. GRCh37 (hg19) VCF-style: chr2-46602849-G-A.
Other names: short protein forms V303I.
Identifiers: ClinVar variation 1765705 (VCV001765705.2), dbSNP rs2103662260, ClinGen allele CA346702636.

ClinVar aggregate classification (germline): Uncertain significance (1 of 4 stars; one submission).

Conditions:
Inborn genetic diseases. Identifiers: MedGen C0950123, MeSH D030342.

Submission:

Ambry Genetics
Classification: Uncertain significance for Inborn genetic diseases. Last evaluated: 2021-07-25. Review status: criteria provided, single submitter. Criteria: Ambry Variant Classification Scheme 2023. Collection method: clinical testing. Allele origin: germline.
Comment: The p.V303I variant (also known as c.907G>A), located in coding exon 8 of the EPAS1 gene, results from a G to A substitution at nucleotide position 907. The valine at codon 303 is replaced by isoleucine, an amino acid with highly similar properties. This amino acid position is conserved. In addition, this alteration is predicted to be tolerated by in silico analysis. Since supporting evidence is limited at this time, the clinical significance of this alteration remains unclear.